The following is an entry in ClinVar:

ClinVar aggregate classification (germline): Uncertain significance. Review status: criteria provided, multiple submitters, no conflicts (2 of 4 stars). 2 submissions from 2 submitters: Uncertain significance (2). Last evaluated 2025-05-05.

Conditions:
Inborn genetic diseases. Identifiers: MedGen C0950123, MeSH D030342.

Allele frequency attached by ClinVar (database versions not stated): ExAC 0.00003; gnomAD 0.00007; TOPMed 0.00008.
gnomAD v4.1: 17 of 1,608,356 alleles (0.0011%); highest among the groups gnomAD compares: African/African-American, 0.02%; no homozygotes.

Submissions (2):

Ambry Genetics
Classification: Uncertain significance for Inborn genetic diseases. Last evaluated: 2025-05-05. Review status: criteria provided, single submitter. Criteria: Ambry Variant Classification Scheme 2023. Collection method: clinical testing. Allele origin: germline.

Labcorp Genetics (formerly Invitae), Labcorp
Classification: Uncertain significance. Last evaluated: 2024-04-17. Review status: criteria provided, single submitter. Criteria: Invitae Variant Classification Sherloc (09022015). Collection method: clinical testing. Allele origin: germline.
Comment: This sequence change replaces alanine, which is neutral and non-polar, with threonine, which is neutral and polar, at codon 566 of the PRDM13 protein (p.Ala566Thr). This variant is present in population databases (rs758751850, gnomAD 0.02%). This variant has not been reported in the literature in individuals affected with PRDM13-related conditions. ClinVar contains an entry for this variant (Variation ID: 1929068). Algorithms developed to predict the effect of missense changes on protein structure and function output the following: SIFT: "Not Available"; PolyPhen-2: "Benign"; Align-GVGD: "Not Available". The threonine amino acid residue is found in multiple mammalian species, which suggests that this missense change does not adversely affect protein function. In summary, the available evidence is currently insufficient to determine the role of this variant in disease. Therefore, it has been classified as a Variant of Uncertain Significance.

NM_021620.4(PRDM13):c.1696G>A (p.Ala566Thr)

Gene: PRDM13 (PR/SET domain 13; plus strand). Cytogenetic location: 6q16.2.
Variant type: single nucleotide variant.
Coding change: c.1696G>A on transcript NM_021620.4 (MANE Select); coding-DNA position 1696, G replaced by A.
Protein change: p.Ala566Thr; replaces alanine 566 with threonine.
Molecular consequence: missense variant.
Genome position (GRCh38, 1-based): chr6:99,614,331, G>A. VCF-style: chr6-99614331-G-A. GRCh37 (hg19) VCF-style: chr6-100062207-G-A.
Other names: c.1696G>A (NM_021620.3); short protein forms A566T.
Identifiers: ClinVar variation 1929068 (VCV001929068.6), dbSNP rs758751850, ClinGen allele CA3936435.